The following is an entry in ClinVar:

ClinVar aggregate classification (germline): Uncertain significance. Review status: criteria provided, multiple submitters, no conflicts (2 of 4 stars). 2 submissions from 2 submitters: Uncertain significance (2). Last evaluated 2026-01-18.

Conditions:
Fanconi anemia complementation group J. Also called: BRIP1-Related Fanconi Anemia. Identifiers: Orphanet 84, MedGen C1836860, MONDO:0012187, OMIM 609054.
Familial cancer of breast. Also called: BREAST CANCER, FAMILIAL; Hereditary breast cancer; hereditary breast carcinoma. Identifiers: Orphanet 227535, MedGen C0346153, MONDO:0016419, OMIM 114480. Disease mechanism: loss of function.
Hereditary cancer-predisposing syndrome. Also called: Hereditary neoplastic syndrome; Hereditary Cancer Syndrome; Tumor predisposition; Neoplastic Syndromes, Hereditary. Identifiers: Orphanet 140162, MedGen C0027672, MeSH D009386, MONDO:0015356.

Submissions (2):

Labcorp Genetics (formerly Invitae), Labcorp
Classification: Uncertain significance for Familial cancer of breast; Fanconi anemia complementation group J. Last evaluated: 2026-01-18. Review status: criteria provided, single submitter. Criteria: Invitae Variant Classification Sherloc (09022015). Collection method: clinical testing. Allele origin: germline.
Comment: This sequence change replaces glycine, which is neutral and non-polar, with serine, which is neutral and polar, at codon 481 of the BRIP1 protein (p.Gly481Ser). This variant is not present in population databases (gnomAD no frequency). This variant has not been reported in the literature in individuals affected with BRIP1-related conditions. ClinVar contains an entry for this variant (Variation ID: 965180). Invitae Evidence Modeling of protein sequence and biophysical properties (such as structural, functional, and spatial information, amino acid conservation, physicochemical variation, residue mobility, and thermodynamic stability) has been performed for this missense variant. However, the output from this modeling did not meet the statistical confidence thresholds required to predict the impact of this variant on BRIP1 protein function. In summary, the available evidence is currently insufficient to determine the role of this variant in disease. Therefore, it has been classified as a Variant of Uncertain Significance.

Ambry Genetics
Classification: Uncertain significance for Hereditary cancer-predisposing syndrome. Last evaluated: 2025-04-01. Review status: criteria provided, single submitter. Criteria: Ambry Variant Classification Scheme 2023. Collection method: clinical testing. Allele origin: germline.
Comment: The p.G481S variant (also known as c.1441G>A), located in coding exon 9 of the BRIP1 gene, results from a G to A substitution at nucleotide position 1441. The glycine at codon 481 is replaced by serine, an amino acid with similar properties. This amino acid position is highly conserved in available vertebrate species. In addition, this alteration is predicted to be deleterious by in silico analysis. Based on the available evidence, the clinical significance of this variant remains unclear.

NM_032043.3(BRIP1):c.1441G>A (p.Gly481Ser)

Gene: BRIP1 (BRCA1 interacting DNA helicase 1; minus strand). Cytogenetic location: 17q23.2.
Variant type: single nucleotide variant.
Coding change: c.1441G>A on transcript NM_032043.3 (MANE Select); coding-DNA position 1441, G replaced by A.
Protein change: p.Gly481Ser; replaces glycine 481 with serine.
Molecular consequence: missense variant.
Genome position (GRCh38, 1-based): chr17:61,793,629, C>T on the plus strand (G>A on the coding strand, the complement: BRIP1 is on the minus strand). VCF-style: chr17-61793629-C-T. GRCh37 (hg19) VCF-style: chr17-59870990-C-T.
Other names: short protein forms G481S.
Identifiers: ClinVar variation 965180 (VCV000965180.11), dbSNP rs587780229, ClinGen allele CA400482093.